The following is an entry in ClinVar:

ClinVar aggregate classification (germline): Uncertain significance (1 of 4 stars; one submission).

Conditions:
Hereditary antithrombin deficiency (AT3D). Also called: Antithrombin III deficiency; Thrombophilia due to antithrombin III deficiency; Reduced antithrombin III activity; Antithrombin deficiency. Identifiers: Orphanet 82, MedGen C0272375, MONDO:0013144, OMIM 613118, HP:0001976.

gnomAD v4.1: 3 of 1,614,168 alleles (0.00019%); highest among the groups gnomAD compares: Middle Eastern, 0.016%; no homozygotes.

Submission:

Institute of Human Genetics, University of Leipzig Medical Center
Classification: Uncertain significance for Hereditary antithrombin deficiency. Last evaluated: 2025-03-04. Review status: criteria provided, single submitter. Criteria: ACMG Guidelines, 2015. Collection method: clinical testing. Allele origin: unknown. Inheritance: Autosomal dominant inheritance. Affected: yes.
Comment: Criteria applied: PS4_SUP,PM2_SUP,PP3

NM_000488.4(SERPINC1):c.347C>T (p.Ser116Phe)

Gene: SERPINC1 (serpin family C member 1; minus strand). Cytogenetic location: 1q25.1.
Variant type: single nucleotide variant.
Coding change: c.347C>T on transcript NM_000488.4 (MANE Select); coding-DNA position 347, C replaced by T.
Protein change: p.Ser116Phe; replaces serine 116 with phenylalanine.
Molecular consequence: missense variant.
Genome position (GRCh38, 1-based): chr1:173,914,614, G>A on the plus strand (C>T on the coding strand, the complement: SERPINC1 is on the minus strand). VCF-style: chr1-173914614-G-A. GRCh37 (hg19) VCF-style: chr1-173883752-G-A.
Other names: c.347C>T, p.Ser116Phe (NM_001386305.1, NM_001386306.1, NM_001386302.1 and 1 more transcripts); c.203C>T, p.Ser68Phe (NM_001365052.2); c.428C>T, p.Ser143Phe (NM_001386303.1); short protein forms S116F, S143F, S68F.
Identifiers: ClinVar variation 3773697 (VCV003773697.2).